The following is an entry in ClinVar:

NM_003403.5(YY1):c.207CCA[7] (p.His80dup)

Gene: YY1 (YY1 transcription factor; plus strand). Cytogenetic location: 14q32.2.
Variant type: Microsatellite.
Coding change: c.207CCA[7] on transcript NM_003403.5 (MANE Select); seven copies in a row of the 3-base unit CCA starting at c.207; the reference has six copies in a row; one copy, 3 bases duplicated; also written c.222_224dup.
Protein change: p.His80dup; duplicates histidine 80.
Molecular consequence: inframe insertion.
Genome position (GRCh38, 1-based): chr14:100,239,466-100,239,468, CCA duplicated; duplicating any 3 consecutive bases within chr14:100,239,451-100,239,468 gives the same sequence; the position shown is the placement nearest the transcript's 3' end. VCF-style (leftmost placement, unchanged base first): chr14-100239450-G-GCCA. GRCh37 (hg19) VCF-style: chr14-100705787-G-GCCA.
Other names: c.222_224dup (NM_003403.5).
Identifiers: ClinVar variation 931670 (VCV000931670.31), dbSNP rs76675246, ClinGen allele CA7343955.

ClinVar aggregate classification (germline): Conflicting classifications of pathogenicity. Review status: criteria provided, conflicting classifications (1 of 4 stars). 5 submissions from 5 submitters: Uncertain significance (2); Likely benign (3). Last evaluated 2026-01-22.

Conditions:
Gabriele de Vries syndrome. Identifiers: Orphanet 506358, MedGen C4479652, MONDO:0044738, OMIM 617557.

Submissions (5):

Dasa
Classification: Uncertain significance for Gabriele de Vries syndrome. Last evaluated: 2026-01-22. Review status: criteria provided, single submitter. Criteria: DASA Assertion Criteria. Collection method: clinical testing. Allele origin: germline.
Comment: NM_003403.5(YY1):c.222_224dup (p.His80dup) is an in-frame duplication predicted to duplicate histidine at protein position 80 without shifting the reading frame. This variant is rare in population databases. The currently available literature and clinical evidence are not sufficient to establish a definitive association between this variant and the reported condition. Therefore, this variant is classified as a variant of uncertain significance.

Laboratory of Genetics, Children's Clinical University Hospital Latvia
Classification: Likely benign. Last evaluated: 2025-02-16. Review status: criteria provided, single submitter. Criteria: ACMG Guidelines, 2015. Collection method: clinical testing. Allele origin: germline. Affected: yes.

Blueprint Genetics
Classification: Likely benign. Last evaluated: 2024-09-12. Review status: criteria provided, single submitter. Criteria: ACMG Guidelines, 2015. Collection method: clinical testing. Allele origin: germline.

CeGaT Center for Human Genetics Tuebingen
Classification: Likely benign. Last evaluated: 2023-08-01. Review status: criteria provided, single submitter. Criteria: CeGaT Center For Human Genetics Tuebingen Variant Classification Criteria Version 2. Collection method: clinical testing. Allele origin: germline. Affected: yes. Observed: 5 variant alleles.
Comment: YY1: BS2

Centre for Mendelian Genomics, University Medical Centre Ljubljana
Classification: Uncertain significance for Gabriele de Vries syndrome. Last evaluated: 2019-05-20. Review status: criteria provided, single submitter. Criteria: ACMG Guidelines, 2015. Collection method: clinical testing. Allele origin: unknown. Affected: yes.
Comment: This variant was classified as: Uncertain significance. The available evidence on this variant's pathogenicity is insufficient or conflicting. The following ACMG criteria were applied in classifying this variant: PM4.